The following is an entry in ClinVar:

NM_006015.6(ARID1A):c.2995A>G (p.Ser999Gly)

Gene: ARID1A (AT-rich interaction domain 1A; plus strand). Cytogenetic location: 1p36.11.
Variant type: single nucleotide variant.
Coding change: c.2995A>G on transcript NM_006015.6 (MANE Select); coding-DNA position 2995, A replaced by G.
Protein change: p.Ser999Gly; replaces serine 999 with glycine.
Molecular consequence: missense variant.
Genome position (GRCh38, 1-based): chr1:26,767,796, A>G. VCF-style: chr1-26767796-A-G. GRCh37 (hg19) VCF-style: chr1-27094287-A-G.
Other names: c.2995A>G, p.Ser999Gly (NM_139135.4); short protein forms S999G.
Identifiers: ClinVar variation 3764287 (VCV003764287.1).

ClinVar aggregate classification (germline): Uncertain significance (1 of 4 stars; one submission).

gnomAD v4.1: 1 of 1,612,912 alleles (0.000062%); highest among the groups gnomAD compares: South Asian, 0.0011%; no homozygotes.

Submission:

GeneDx
Classification: Uncertain significance. Last evaluated: 2024-08-16. Review status: criteria provided, single submitter. Criteria: GeneDx Variant Classification Process June 2021. Collection method: clinical testing. Allele origin: germline. Affected: yes.
Comment: Not observed at significant frequency in large population cohorts (gnomAD); In silico analysis supports that this missense variant has a deleterious effect on protein structure/function; Has not been previously published as pathogenic or benign to our knowledge